The following is an entry in ClinVar:

NM_000038.6(APC):c.1500del (p.Arg499_Tyr500insTer)

Gene: APC (APC regulator of Wnt signaling pathway; plus strand). Cytogenetic location: 5q22.2.
Variant type: Deletion.
Coding change: c.1500del on transcript NM_000038.6 (MANE Select); coding-DNA position 1500, one base deleted (T; older notation c.1500delT).
Protein change: p.Arg499_Tyr500insTer.
Molecular consequence: nonsense.
Genome position (GRCh38, 1-based): chr5:112,827,199, T deleted. VCF-style (leftmost placement, unchanged base first): chr5-112827198-AT-A. GRCh37 (hg19) VCF-style: chr5-112162895-AT-A.
Other names: c.1500del, p.Arg499_Tyr500insTer (NM_001127510.3, NM_001354895.2); c.1446del, p.Arg481_Tyr482insTer (NM_001127511.3); c.1554del, p.Arg517_Tyr518insTer (NM_001354896.2); c.1530del, p.Arg509_Tyr510insTer (NM_001354897.2); c.1425del, p.Arg474_Tyr475insTer (NM_001354898.2); c.1416del, p.Arg471_Tyr472insTer (NM_001354899.2); c.1377del, p.Arg458_Tyr459insTer (NM_001354900.2); c.1323del, p.Arg440_Tyr441insTer (NM_001354901.2); and 5 more.
Identifiers: ClinVar variation 1073668 (VCV001073668.52), dbSNP rs2149809839, ClinGen allele CA2499217449.
Genomic context (GRCh38, chr5:112,827,198, plus strand): 5'-AAGTGGACTGTGAAATGTATGGGCTTACTAATGACCACTACAGTATTACACTAAGACGAT[AT>A]GCTGGAATGGCTTTGACAAACTTGACTTTTGGAGATGTAGCCAACAAGGTATGTTTTTAT-3'

ClinVar aggregate classification (germline): Pathogenic. Review status: criteria provided, multiple submitters, no conflicts (2 of 4 stars). 4 submissions from 4 submitters: Pathogenic (4). Last evaluated 2024-07-25.

Conditions:
Hereditary cancer-predisposing syndrome. Also called: Tumor predisposition; Hereditary neoplastic syndrome; Neoplastic Syndromes, Hereditary; Hereditary Cancer Syndrome. Identifiers: Orphanet 140162, MedGen C0027672, MeSH D009386, MONDO:0015356.
Familial multiple polyposis syndrome (FAP). Also called: Familial adenomatous polyposis; Familial intestinal polyposis; Familial Adenomatous Polyposis (FAP); Classic familial adenomatous polyposis; Familial polyposis. Identifiers: Orphanet 733, MedGen C0032580, MONDO:0021055. Disease mechanism: loss of function.
Familial adenomatous polyposis 1 (FAP1). Also called: POLYPOSIS, ADENOMATOUS INTESTINAL; FAMILIAL ADENOMATOUS POLYPOSIS 1, ATTENUATED. Identifiers: MedGen C2713442, MONDO:0021056, OMIM 175100. Disease mechanism: loss of function.

Submissions (4):

Ambry Genetics
Classification: Pathogenic for Hereditary cancer-predisposing syndrome. Last evaluated: 2024-07-25. Review status: criteria provided, single submitter. Criteria: Ambry Variant Classification Scheme 2023. Collection method: clinical testing. Allele origin: germline.
Comment: The c.1500delT pathogenic mutation, located in coding exon 11 of the APC gene, results from a deletion of one nucleotide at nucleotide position 1500, causing a translational frameshift with a predicted alternate stop codon (p.Y500*). This mutation has been detected in multiple individuals with features consistent with familial adenomatous polyposis (Ambry internal data). Another alteration (c.1500T>A) that leads to the same premature stop codon (p.Y500*) has been reported in four unrelated Polish families with familial adenomatous polyposis (FAP) (Pawski A et al. Hered Cancer Clin Pract, 2007 Dec;5:195-8). In addition to the clinical data presented in the literature, this alteration is expected to result in loss of function by premature protein truncation or nonsense-mediated mRNA decay. As such, this alteration is interpreted as a disease-causing mutation.

Myriad Genetics, Inc.
Classification: Pathogenic for Familial adenomatous polyposis 1. Last evaluated: 2023-05-01. Review status: criteria provided, single submitter. Criteria: Myriad Autosomal Dominant, Autosomal Recessive and X-Linked Classification Criteria (2023). Collection method: clinical testing. Allele origin: unknown.
Comment: This variant is considered pathogenic. This variant creates a termination codon and is predicted to result in premature protein truncation.

Women's Health and Genetics/Laboratory Corporation of America, LabCorp
Classification: Pathogenic for Familial multiple polyposis syndrome. Last evaluated: 2022-01-09. Review status: criteria provided, single submitter. Criteria: LabCorp Variant Classification Summary - May 2015. Collection method: clinical testing. Allele origin: germline.
Comment: Variant summary: APC c.1500delT (p.Tyr500X) results in a premature termination codon, predicted to cause a truncation of the encoded protein or absence of the protein due to nonsense mediated decay, which are commonly known mechanisms for disease. Truncations downstream of this position have been classified as pathogenic by our laboratory. The variant was absent in 251290 control chromosomes (gnomAD). To our knowledge, c.1500delT has not been reported in the literature, but a similar variant resulting in the same amino acid change (c.1500T>A) has been found in individuals affected with Familial Adenomatous Polyposis (example: Plawski_2007). These data indicate that the variant is likely to be associated with disease. To our knowledge, no experimental evidence demonstrating an impact on protein function has been reported. One ClinVar submitter has assessed this variant since 2014, where the variant was classified as pathogenic. Based on the evidence outlined above, the variant was classified as pathogenic.

Labcorp Genetics (formerly Invitae), Labcorp
Classification: Pathogenic for Familial adenomatous polyposis 1. Last evaluated: 2020-02-26. Review status: criteria provided, single submitter. Criteria: Invitae Variant Classification Sherloc (09022015). Collection method: clinical testing. Allele origin: germline.
Comment: For these reasons, this variant has been classified as Pathogenic. This sequence change creates a premature translational stop signal (p.Tyr500*) in the APC gene. It is expected to result in an absent or disrupted protein product. This variant is not present in population databases (ExAC no frequency). This nonsense change has been observed in individual(s) with familial adenomatous polyposis (PMID: 1651174, 19725996). Loss-of-function variants in APC are known to be pathogenic (PMID: 17963004, 20685668).

Literature cited by the submitters: PubMed 19725996 (cited by 3 submitters); PubMed 1651174 (cited by Labcorp Genetics (formerly Invitae), Labcorp); PubMed 17963004 (cited by Labcorp Genetics (formerly Invitae), Labcorp); PubMed 20685668 (cited by Labcorp Genetics (formerly Invitae), Labcorp).